The following is an entry in ClinVar:

NM_025074.7(FRAS1):c.798C>T (p.Ser266=)

Gene: FRAS1 (Fraser extracellular matrix complex subunit 1; plus strand). Cytogenetic location: 4q21.21.
Variant type: single nucleotide variant.
Coding change: c.798C>T on transcript NM_025074.7 (MANE Select); coding-DNA position 798, C replaced by T.
Protein change: p.Ser266=; no amino-acid change (serine 266 retained).
Molecular consequence: synonymous variant.
Genome position (GRCh38, 1-based): chr4:78,267,249, C>T. VCF-style: chr4-78267249-C-T. GRCh37 (hg19) VCF-style: chr4-79188403-C-T.
Other names: c.798C>T, p.Ser266= (NM_001166133.2).
Identifiers: ClinVar variation 1955504 (VCV001955504.24), dbSNP rs1412726455, ClinGen allele CA439978758.

ClinVar aggregate classification (germline): Likely benign. Review status: criteria provided, multiple submitters, no conflicts (2 of 4 stars). 2 submissions from 2 submitters: Likely benign (2). Last evaluated 2025-11-01.

Allele frequency attached by ClinVar (database versions not stated): TOPMed below 0.00001.

Submissions (2):

CeGaT Center for Human Genetics Tuebingen
Classification: Likely benign. Last evaluated: 2025-11-01. Review status: criteria provided, single submitter. Criteria: CeGaT Center For Human Genetics Tuebingen Variant Classification Criteria Version 2. Collection method: clinical testing. Allele origin: germline. Affected: yes. Observed: 2 variant alleles.
Comment: FRAS1: PM2:Supporting, BP4, BP7

Labcorp Genetics (formerly Invitae), Labcorp
Classification: Likely benign. Last evaluated: 2022-10-13. Review status: criteria provided, single submitter. Criteria: Invitae Variant Classification Sherloc (09022015). Collection method: clinical testing. Allele origin: germline.